The following is an entry in ClinVar:

NM_001291088.2(WDR87):c.6730A>G (p.Arg2244Gly)

Gene: WDR87 (WD repeat domain 87; minus strand). Cytogenetic location: 19q13.13.
Variant type: single nucleotide variant.
Coding change: c.6730A>G on transcript NM_001291088.2 (MANE Select); coding-DNA position 6730, A replaced by G.
Protein change: p.Arg2244Gly; replaces arginine 2244 with glycine.
Molecular consequence: missense variant.
Genome position (GRCh38, 1-based): chr19:37,886,941, T>C on the plus strand (A>G on the coding strand, the complement: WDR87 is on the minus strand). VCF-style: chr19-37886941-T-C. GRCh37 (hg19) VCF-style: chr19-38377581-T-C.
Other names: c.6613A>G, p.Arg2205Gly (NM_031951.5); short protein forms R2205G, R2244G.
Identifiers: ClinVar variation 1495540 (VCV001495540.8), dbSNP rs1171108882, ClinGen allele CA405601576.
Genomic context (GRCh38, chr19:37,886,941, plus strand): 5'-GCTCTTCACTTTCCACTTCATCCACTTGACTGGAAAACTTTTCTTTTGGTTTGTCACCTC[T>C]CTTGGCCTCTTTCCTCTTTCTCCACCTTCGTTTAAGGAATGGGATTACCTCTTCTTCTTC-3'
Protein context (NP_001278017.1, residues 2234-2254): RRWRKRKEAK[Arg2244Gly]GDKPKEKFSS

ClinVar aggregate classification (germline): Uncertain significance (1 of 4 stars; one submission).

Allele frequency attached by ClinVar (database versions not stated): gnomAD 0.00001; gnomAD exomes 0.00001 and 0.00004.
gnomAD v4.1: 59 of 1,551,868 alleles (0.0038%); highest among the groups gnomAD compares: Non-Finnish European, 0.0051%; no homozygotes.

Submission:

Labcorp Genetics (formerly Invitae), Labcorp
Classification: Uncertain significance. Last evaluated: 2021-06-01. Review status: criteria provided, single submitter. Criteria: Invitae Variant Classification Sherloc (09022015). Collection method: clinical testing. Allele origin: germline.
Comment: In summary, the available evidence is currently insufficient to determine the role of this variant in disease. Therefore, it has been classified as a Variant of Uncertain Significance. Algorithms developed to predict the effect of missense changes on protein structure and function output the following: SIFT: "Deleterious"; PolyPhen-2: "Benign"; Align-GVGD: "Class C0". The glycine amino acid residue is found in multiple mammalian species, suggesting that this missense change does not adversely affect protein function. These predictions have not been confirmed by published functional studies and their clinical significance is uncertain. This variant has not been reported in the literature in individuals with WDR87-related conditions. This variant is not present in population databases (ExAC no frequency). This sequence change replaces arginine with glycine at codon 2205 of the WDR87 protein (p.Arg2205Gly). The arginine residue is weakly conserved and there is a moderate physicochemical difference between arginine and glycine.